The following is an entry in ClinVar:

NM_022437.3(ABCG8):c.362G>A (p.Arg121Gln)

Gene: ABCG8 (ATP binding cassette subfamily G member 8; plus strand). Cytogenetic location: 2p21.
Variant type: single nucleotide variant.
Coding change: c.362G>A on transcript NM_022437.3 (MANE Select); coding-DNA position 362, G replaced by A.
Protein change: p.Arg121Gln; replaces arginine 121 with glutamine.
Molecular consequence: missense variant.
Genome position (GRCh38, 1-based): chr2:43,851,623, G>A. VCF-style: chr2-43851623-G-A. GRCh37 (hg19) VCF-style: chr2-44078762-G-A.
Other names: c.362G>A, p.Arg121Gln (NM_001357321.2); short protein forms R121Q.
Identifiers: ClinVar variation 1733393 (VCV001733393.5), dbSNP rs368426690, ClinGen allele CA1636995.

ClinVar aggregate classification (germline): Uncertain significance. Review status: criteria provided, multiple submitters, no conflicts (2 of 4 stars). 2 submissions from 2 submitters: Uncertain significance (2). Last evaluated 2025-02-04.

Conditions:
Cardiovascular phenotype. Identifiers: MedGen CN230736.

Allele frequency attached by ClinVar (database versions not stated): gnomAD exomes below 0.00001; ExAC 0.00001; gnomAD 0.00003; TOPMed 0.00003; ESP Exome Variant Server 0.00015.
gnomAD v4.1: 11 of 1,614,088 alleles (0.00068%); highest among the groups gnomAD compares: African/African-American, 0.011%; no homozygotes.

Submissions (2):

Ambry Genetics
Classification: Uncertain significance for Cardiovascular phenotype. Last evaluated: 2025-02-04. Review status: criteria provided, single submitter. Criteria: Ambry Variant Classification Scheme 2023. Collection method: clinical testing. Allele origin: germline.
Comment: The p.R121Q variant (also known as c.362G>A), located in coding exon 4 of the ABCG8 gene, results from a G to A substitution at nucleotide position 362. The arginine at codon 121 is replaced by glutamine, an amino acid with highly similar properties. This amino acid position is conserved. In addition, the in silico prediction for this alteration is inconclusive. Since supporting evidence is limited at this time, the clinical significance of this alteration remains unclear.

Labcorp Genetics (formerly Invitae), Labcorp
Classification: Uncertain significance. Last evaluated: 2024-12-18. Review status: criteria provided, single submitter. Criteria: Invitae Variant Classification Sherloc (09022015). Collection method: clinical testing. Allele origin: germline.
Comment: This sequence change replaces arginine, which is basic and polar, with glutamine, which is neutral and polar, at codon 121 of the ABCG8 protein (p.Arg121Gln). This variant is present in population databases (rs368426690, gnomAD 0.007%). This variant has not been reported in the literature in individuals affected with ABCG8-related conditions. ClinVar contains an entry for this variant (Variation ID: 1733393). Invitae Evidence Modeling of protein sequence and biophysical properties (such as structural, functional, and spatial information, amino acid conservation, physicochemical variation, residue mobility, and thermodynamic stability) indicates that this missense variant is not expected to disrupt ABCG8 protein function with a negative predictive value of 80%. In summary, the available evidence is currently insufficient to determine the role of this variant in disease. Therefore, it has been classified as a Variant of Uncertain Significance.